The following is an entry in ClinVar:

ClinVar aggregate classification (germline): Likely benign (1 of 4 stars; one submission).

Allele frequency attached by ClinVar (database versions not stated): gnomAD exomes below 0.00001; TOPMed below 0.00001.
gnomAD v4.1: 1 of 1,614,234 alleles (0.000062%); highest among the groups gnomAD compares: East Asian, 0.0022%; no homozygotes.

Submission:

GeneDx
Classification: Likely benign. Last evaluated: 2016-02-09. Review status: criteria provided, single submitter. Criteria: GeneDx Variant Classification (06012015). Collection method: clinical testing. Allele origin: germline. Affected: yes.
Comment: This variant is considered likely benign or benign based on one or more of the following criteria: it is a conservative change, it occurs at a poorly conserved position in the protein, it is predicted to be benign by multiple in silico algorithms, and/or has population frequency not consistent with disease.

NM_013391.3(DMGDH):c.678A>G (p.Ser226=)

Gene: DMGDH (dimethylglycine dehydrogenase; minus strand). Cytogenetic location: 5q14.1.
Variant type: single nucleotide variant.
Coding change: c.678A>G on transcript NM_013391.3 (MANE Select); coding-DNA position 678, A replaced by G.
Protein change: p.Ser226=; no amino-acid change (serine 226 retained).
Molecular consequence: synonymous variant.
Genome position (GRCh38, 1-based): chr5:79,051,354, T>C on the plus strand (A>G on the coding strand, the complement: DMGDH is on the minus strand). VCF-style: chr5-79051354-T-C. GRCh37 (hg19) VCF-style: chr5-78347177-T-C.
Identifiers: ClinVar variation 382987 (VCV000382987.1), dbSNP rs1057521498, ClinGen allele CA16605397.
Genomic context (GRCh38, chr5:79,051,354, plus strand): 5'-ATTCACAATTCTATTTGCTCTCATAGACCCCTGTGGTGTTTCAACGTCCCATGTTCCATC[T>C]GACCTGGCTTTCAGAGAAGTTACTGGTGCAGGATATTTTAAAAGGGCACCACATTTCCTA-3'
Protein context (NP_037523.2, residues 216-236): PAPVTSLKAR[Ser226=]DGTWDVETPQ